The following is an entry in ClinVar:

ClinVar aggregate classification (germline): Uncertain significance (1 of 4 stars; one submission).

Submission:

GeneDx
Classification: Uncertain significance. Last evaluated: 2025-01-24. Review status: criteria provided, single submitter. Criteria: GeneDx Variant Classification Process June 2021. Collection method: clinical testing. Allele origin: germline. Affected: yes.
Comment: Not observed at significant frequency in large population cohorts (gnomAD); In silico analysis supports that this missense variant has a deleterious effect on protein structure/function; Has not been previously published as pathogenic or benign to our knowledge

NM_000256.3(MYBPC3):c.2617C>A (p.Pro873Thr)

Gene: MYBPC3 (myosin binding protein C3; minus strand). Cytogenetic location: 11p11.2.
Variant type: single nucleotide variant.
Coding change: c.2617C>A on transcript NM_000256.3 (MANE Select); coding-DNA position 2617, C replaced by A.
Protein change: p.Pro873Thr; replaces proline 873 with threonine.
Molecular consequence: missense variant.
Genome position (GRCh38, 1-based): chr11:47,335,997, G>T on the plus strand (C>A on the coding strand, the complement: MYBPC3 is on the minus strand). VCF-style: chr11-47335997-G-T. GRCh37 (hg19) VCF-style: chr11-47357548-G-T.
Other names: short protein forms P873T.
Identifiers: ClinVar variation 4071637 (VCV004071637.1).
Genomic context (GRCh38, chr11:47,335,997, plus strand): 5'-GGGGCCGCCACTTGAGGGAGACCGTGGTGTCAGAGACGTCCTCTACTGCCAGGTGGGTGG[G>T]TTCGCTGGGGGGACCTGGGCAGAGGAGAGGTCAGAGAGGGGTCTGAGCAAGCCTGGGGAA-3'
Protein context (NP_000247.2, residues 863-883): PFMPIGPPSE[Pro873Thr]THLAVEDVSD